The following is an entry in ClinVar:

ClinVar aggregate classification (germline): Uncertain significance (1 of 4 stars; one submission).

Submission:

Labcorp Genetics (formerly Invitae), Labcorp
Classification: Uncertain significance. Last evaluated: 2024-12-12. Review status: criteria provided, single submitter. Criteria: Invitae Variant Classification Sherloc (09022015). Collection method: clinical testing. Allele origin: germline.
Comment: This sequence change replaces asparagine, which is neutral and polar, with tyrosine, which is neutral and polar, at codon 147 of the VPS13D protein (p.Asn147Tyr). This variant is not present in population databases (gnomAD no frequency). This variant has not been reported in the literature in individuals affected with VPS13D-related conditions. Invitae Evidence Modeling of protein sequence and biophysical properties (such as structural, functional, and spatial information, amino acid conservation, physicochemical variation, residue mobility, and thermodynamic stability) indicates that this missense variant is expected to disrupt VPS13D protein function with a positive predictive value of 80%. In summary, the available evidence is currently insufficient to determine the role of this variant in disease. Therefore, it has been classified as a Variant of Uncertain Significance.

NM_015378.4(VPS13D):c.439A>T (p.Asn147Tyr)

Gene: VPS13D (vacuolar protein sorting 13 homolog D; plus strand). Cytogenetic location: 1p36.22.
Variant type: single nucleotide variant.
Coding change: c.439A>T on transcript NM_015378.4 (MANE Select); coding-DNA position 439, A replaced by T.
Protein change: p.Asn147Tyr; replaces asparagine 147 with tyrosine.
Molecular consequence: missense variant.
Genome position (GRCh38, 1-based): chr1:12,244,609, A>T. VCF-style: chr1-12244609-A-T. GRCh37 (hg19) VCF-style: chr1-12304666-A-T.
Other names: c.439A>T, p.Asn147Tyr (NM_018156.4); short protein forms N147Y.
Identifiers: ClinVar variation 3718218 (VCV003718218.2).